The following is an entry in ClinVar:

ClinVar aggregate classification (germline): Uncertain significance (1 of 4 stars; one submission).

Conditions:
Familial cancer of breast. Also called: hereditary breast carcinoma; BREAST CANCER, FAMILIAL; Hereditary breast cancer. Identifiers: Orphanet 227535, MedGen C0346153, MONDO:0016419, OMIM 114480. Disease mechanism: loss of function.

Submission:

KCCC/NGS Laboratory, Kuwait Cancer Control Center
Classification: Uncertain significance for Familial cancer of breast. Last evaluated: 2025-01-06. Review status: criteria provided, single submitter. Criteria: ACMG Guidelines, 2015. Collection method: clinical testing. Allele origin: germline. Inheritance: Autosomal dominant inheritance. Affected: yes. Observed: 1 heterozygote.
Comment: A novel variant of uncertain significance was detected in ATM gene ( c.9132T>A) . This sequence change replaces asparagine with lysine at codon 3044 of the ATM protein (p.Asn3044Lys). The leucine residue is not highly conserved and there is a moderate physicochemical difference between asparagine and lysine. This variant is not present in population database gnomAD. This variant has not been previously reported in the literature in individuals with ATM‐related conditions (23941260). In‐silico predictions show pathogenic computational verdict based on 8 pathogenic predictions from MetaRNN, MutPred,AlphaMissense, LRT, MCAP,PrimateAI ,PROVEAN and SIFT vs vs 4 benign predictions from BayesDel noAF,EIGEN , FATHMM‐XF and DEOGEN2. I. Therefore, it has been classified as a Variant of Uncertain Significance. Pathogenic/likely pathogenic mutations in the ATM gene cause susceptibility to breast cancer (OMIM 114480).

NM_000051.4(ATM):c.9132T>A (p.Asn3044Lys)

Genes: ATM (ATM serine/threonine kinase; plus strand), C11orf65 (chromosome 11 open reading frame 65; minus strand). Cytogenetic location: 11q22.3.
Variant type: single nucleotide variant.
Coding change: c.9132T>A on transcript NM_000051.4 (MANE Select); coding-DNA position 9132, T replaced by A.
Protein change: p.Asn3044Lys; replaces asparagine 3044 with lysine.
Molecular consequence: missense variant. On other transcripts: intron variant (2).
Genome position (GRCh38, 1-based): chr11:108,365,469, T>A. VCF-style: chr11-108365469-T-A. GRCh37 (hg19) VCF-style: chr11-108236196-T-A.
Other names: c.9132T>A, p.Asn3044Lys (NM_001351834.2); c.640+20451A>T (NM_001330368.2); c.694+20451A>T (NM_001351110.2); short protein forms N3044K.
Identifiers: ClinVar variation 3393453 (VCV003393453.2).